The following is an entry in ClinVar:

NM_000465.4(BARD1):c.1833dup (p.Asp612Ter)

Gene: BARD1 (BRCA1 associated RING domain 1; minus strand). Cytogenetic location: 2q35.
Variant type: Duplication.
Coding change: c.1833dup on transcript NM_000465.4 (MANE Select); coding-DNA position 1833, one base duplicated (T; older notation c.1833dupT).
Protein change: p.Asp612Ter; replaces aspartic acid 612 with a stop codon.
Molecular consequence: nonsense. On other transcripts: non-coding transcript variant (3), intron variant (1).
Genome position (GRCh38, 1-based): chr2:214,745,137, A duplicated on the plus strand (T on the coding strand, the reverse complement: BARD1 is on the minus strand). VCF-style (leftmost placement, unchanged base first): chr2-214745136-C-CA. GRCh37 (hg19) VCF-style: chr2-215609860-C-CA.
Other names: c.1776dup, p.Asp593Ter (NM_001282543.2); c.480dup, p.Asp161Ter (NM_001282545.2); c.423dup, p.Asp142Ter (NM_001282548.2); c.365-14629dup (NM_001282549.2); c.1833dupT (NM_000465.3); short protein forms D142*, D161*, D593*, D612*.
Identifiers: ClinVar variation 530030 (VCV000530030.10), dbSNP rs1553614963, ClinGen allele CA658796163.
Genomic context (GRCh38, chr2:214,745,136, plus strand): 5'-TTAGAATCCAGCATCCATTGAGAATCCCAAGCATACACTTCAAGGTACTTTGAACTGCAT[C>CA]ACCAGGAACAACAACATGAGTTACTAAAATACAAAAAAAGCAGTAAGAGAAAGAAAGATA-3'

ClinVar aggregate classification (germline): Pathogenic. Review status: criteria provided, single submitter (1 of 4 stars). 2 submissions from 2 submitters: Pathogenic (1). 1 of the submissions does not count toward it. Last evaluated 2017-09-20.

Conditions:
Familial cancer of breast. Also called: BREAST CANCER, FAMILIAL; Hereditary breast cancer; hereditary breast carcinoma. Identifiers: Orphanet 227535, MedGen C0346153, MONDO:0016419, OMIM 114480. Disease mechanism: loss of function.

Submissions (2):

Labcorp Genetics (formerly Invitae), Labcorp
Classification: Pathogenic for Familial cancer of breast. Last evaluated: 2017-09-20. Review status: criteria provided, single submitter. Criteria: Invitae Variant Classification Sherloc (09022015). Collection method: clinical testing. Allele origin: germline.
Comment: For these reasons, this variant has been classified as Pathogenic. Loss-of-function variants in BARD1 are known to be pathogenic (PMID: 20077502, 21344236). This variant has not been reported in the literature in individuals with BARD1-related disease. This variant is not present in population databases (ExAC no frequency). This sequence change creates a premature translational stop signal (p.Asp612*) in the BARD1 gene. It is expected to result in an absent or disrupted protein product.

Cancer Genetics Service, National Cancer Centre Singapore
Classification: Pathogenic for Familial cancer of breast. Last evaluated: 2019-05-01. Review status: no assertion criteria provided. Collection method: clinical testing, in vitro. Allele origin: germline. Affected: yes. Not counted in ClinVar's aggregate classification.

Literature cited by the submitters: PubMed 20077502 (cited by Labcorp Genetics (formerly Invitae), Labcorp); PubMed 21344236 (cited by Labcorp Genetics (formerly Invitae), Labcorp).